The following is an entry in ClinVar:

NM_000551.4(VHL):c.355T>C (p.Phe119Leu)

Genes: VHL (von Hippel-Lindau tumor suppressor; plus strand), LOC107303340 (3p25 von Hippel-Lindau tumor suppressor, E3 ubiquitin protein ligase Alu-mediated recombination region; plus strand). Cytogenetic location: 3p25.3.
Variant type: single nucleotide variant.
Coding change: c.355T>C on transcript NM_000551.4 (MANE Select); coding-DNA position 355, T replaced by C.
Protein change: p.Phe119Leu; replaces phenylalanine 119 with leucine.
Molecular consequence: missense variant. On other transcripts: intron variant (2).
Genome position (GRCh38, 1-based): chr3:10,146,528, T>C. VCF-style: chr3-10146528-T-C. GRCh37 (hg19) VCF-style: chr3-10188212-T-C.
Other names: c.*18-3259T>C (NM_001354723.2); c.341-3259T>C (NM_198156.3); short protein forms F119L.
Identifiers: ClinVar variation 496059 (VCV000496059.11), dbSNP rs1553619948, ClinGen allele CA351753707.
Genomic context (GRCh38, chr3:10,146,528, plus strand): 5'-CCAGCCACCGGTGTGGCTCTTTAACAACCTTTGCTTGTCCCGATAGGTCACCTTTGGCTC[T>C]TCAGAGATGCAGGGACACACGATGGGCTTCTGGTTAACCAAACTGAATTATTTGTGCCAT-3'
Protein context (NP_000542.1, residues 109-129): IHSYRGHLWL[Phe119Leu]RDAGTHDGLL

ClinVar aggregate classification (germline): Pathogenic. Review status: criteria provided, multiple submitters, no conflicts (2 of 4 stars). 3 submissions from 3 submitters: Pathogenic (3). Last evaluated 2022-07-19.

Conditions:
Chuvash polycythemia. Also called: POLYCYTHEMIA, VHL-DEPENDENT. Identifiers: Orphanet 238557, MedGen C1837915, MONDO:0009892, OMIM 263400.
Von Hippel-Lindau syndrome (VHLS). Also called: VHL syndrome; Von Hippel-Lindau; von Hippel–Lindau syndrome. Identifiers: Orphanet 892, MedGen C0019562, MONDO:0008667, OMIM 193300. Disease mechanism: loss of function.
Hereditary cancer-predisposing syndrome. Also called: Tumor predisposition; Hereditary neoplastic syndrome; Neoplastic Syndromes, Hereditary; Hereditary Cancer Syndrome. Identifiers: Orphanet 140162, MedGen C0027672, MeSH D009386, MONDO:0015356.

Submissions (3):

Labcorp Genetics (formerly Invitae), Labcorp
Classification: Pathogenic for Von Hippel-Lindau syndrome; Chuvash polycythemia. Last evaluated: 2022-07-19. Review status: criteria provided, single submitter. Criteria: Invitae Variant Classification Sherloc (09022015). Collection method: clinical testing. Allele origin: germline.
Comment: This sequence change replaces phenylalanine, which is neutral and non-polar, with leucine, which is neutral and non-polar, at codon 119 of the VHL protein (p.Phe119Leu). For these reasons, this variant has been classified as Pathogenic. Experimental studies have shown that this missense change affects VHL function (PMID: 21715564, 23840444). Advanced modeling of protein sequence and biophysical properties (such as structural, functional, and spatial information, amino acid conservation, physicochemical variation, residue mobility, and thermodynamic stability) performed at Invitae indicates that this missense variant is expected to disrupt VHL protein function. ClinVar contains an entry for this variant (Variation ID: 496059). This variant is also known as P190L. This missense change has been observed in individuals with VHL-related conditions (PMID: 7728151, 12000816, 16142346, 19270817). This variant is not present in population databases (gnomAD no frequency).

Ambry Genetics
Classification: Pathogenic for Hereditary cancer-predisposing syndrome. Last evaluated: 2020-01-29. Review status: criteria provided, single submitter. Criteria: Ambry Variant Classification Scheme 2023. Collection method: clinical testing. Allele origin: germline.
Comment: The p.F119L pathogenic mutation (also known as c.355T>C), located in coding exon 2 of the VHL gene, results from a T to C substitution at nucleotide position 355. The phenylalanine at codon 119 is replaced by leucine, an amino acid with highly similar properties. In one study, in silico, in vitro, and bacterial assays showed that the p.F119L alteration results in loss of folding, stability, and function of the VHL protein (Shmueli MD et al. PLoS ONE. 2013 Jun;8:e66333). This mutation has been identified in multiple individuals/families with a clinical diagnosis or suspicion of von-Hippel-Lindau (VHL) syndrome (Cho HJ et al. J. Korean Med. Sci., 2009 Feb;24:77-83; Klein B et al. Hum. Genet., 2001 May;108:376-84; Ambry internal data). It has also been reported in a patient with non-syndromic pheochromocytoma (Neumann HP et al. N. Engl. J. Med. 2002 May; 346:1459-66), a patient with bilateral pheochromocytomas (Albattal S et al. Oncotarget, 2019 Oct;10:5919-5931), and a patient with bilateral adrenal pheochromocytoma and a carotid paraganglioma (Boedeker CC et al. J. Clin. Endocrinol. Metab. 2009 Jun; 94:1938-44). In one functional study, this alteration's interactions with hypoxia-inducible factors (HIF), which affect protein stability, were similar to at least one alteration classified as VLP at Ambry (W88C) (Rechsteiner MP et al. Cancer Res. 2011 Aug; 71(16):5500-11; Ambry internal data). Of note, this alteration is also designated as 568C>G in published literature. This amino acid position is highly conserved in available vertebrate species. In addition, this alteration is predicted to be deleterious by in silico analysis. Based on the supporting evidence, this alteration is interpreted as a disease-causing mutation.

Women's Health and Genetics/Laboratory Corporation of America, LabCorp
Classification: Pathogenic for Von Hippel-Lindau syndrome. Last evaluated: 2016-02-05. Review status: criteria provided, single submitter. Criteria: LabCorp Variant Classification Summary - May 2015. Collection method: clinical testing. Allele origin: germline.
Comment: Variant summary: The c.355T>C (F119L) in VHL is a missense variant involving a highly conserved nucleotide and 3/4 in silico tools predict this variant to be deleterious (no prediction for SIFT). The variant was not found in the general population but was reported in at least 3 VHL patients. Another variant, c.357C>G, leading to the same amino acid change (F119L) and c.356T>C (F119S) have been reported in multiple VHL pts, indicating that this codon is a mutation hotspot. Additionally this variant has been identified as a somatic mutation in multiple renal cell carcinomas. Taken together, this is a disease variant and was classified as Pathogenic.

Literature cited by the submitters: PubMed 21715564 (cited by Labcorp Genetics (formerly Invitae), Labcorp and Ambry Genetics); PubMed 23840444 (cited by Labcorp Genetics (formerly Invitae), Labcorp and Ambry Genetics); PubMed 7728151 (cited by Labcorp Genetics (formerly Invitae), Labcorp); PubMed 12000816 (cited by Labcorp Genetics (formerly Invitae), Labcorp and Ambry Genetics); PubMed 16142346 (cited by 3 submitters); PubMed 19270817 (cited by 3 submitters); PubMed 11409863 (cited by Ambry Genetics); PubMed 12510195 (cited by Ambry Genetics and Women's Health and Genetics/Laboratory Corporation of America, LabCorp); PubMed 19336503 (cited by Ambry Genetics and Women's Health and Genetics/Laboratory Corporation of America, LabCorp); PubMed 25078357 (cited by Ambry Genetics and Women's Health and Genetics/Laboratory Corporation of America, LabCorp); PubMed 31666924 (cited by Ambry Genetics); PubMed 10340905 (cited by Women's Health and Genetics/Laboratory Corporation of America, LabCorp).